The following is an entry in ClinVar:

NM_000632.4(ITGAM):c.364C>T (p.Leu122Phe)

Genes: ITGAM (integrin subunit alpha M; plus strand), LOC126862331 (P300/CBP strongly-dependent group 1 enhancer GRCh37_chr16:31276375-31277574; plus strand). Cytogenetic location: 16p11.2.
Variant type: single nucleotide variant.
Coding change: c.364C>T on transcript NM_000632.4 (MANE Select); coding-DNA position 364, C replaced by T.
Protein change: p.Leu122Phe; replaces leucine 122 with phenylalanine.
Molecular consequence: missense variant.
Genome position (GRCh38, 1-based): chr16:31,266,084, C>T. VCF-style: chr16-31266084-C-T. GRCh37 (hg19) VCF-style: chr16-31277405-C-T.
Other names: c.364C>T, p.Leu122Phe (NM_001145808.2); c.364C>T (NM_000632.3); short protein forms L122F.
Identifiers: ClinVar variation 2103258 (VCV002103258.5), dbSNP rs1358535597, ClinGen allele CA395684874.

ClinVar aggregate classification (germline): Conflicting classifications of pathogenicity. Review status: criteria provided, conflicting classifications (1 of 4 stars). 2 submissions from 2 submitters: Uncertain significance (1); Likely benign (1). Last evaluated 2023-09-26.

Allele frequency attached by ClinVar (database versions not stated): gnomAD exomes 0.00001; TOPMed 0.00001.
gnomAD v4.1: 11 of 1,613,976 alleles (0.00068%); highest among the groups gnomAD compares: Non-Finnish European, 0.00093%; no homozygotes.

Submissions (2):

Ambry Genetics
Classification: Likely benign. Last evaluated: 2023-09-26. Review status: criteria provided, single submitter. Criteria: Ambry Variant Classification Scheme 2023. Collection method: clinical testing. Allele origin: germline.

Labcorp Genetics (formerly Invitae), Labcorp
Classification: Uncertain significance. Last evaluated: 2022-06-27. Review status: criteria provided, single submitter. Criteria: Invitae Variant Classification Sherloc (09022015). Collection method: clinical testing. Allele origin: germline.
Comment: In summary, the available evidence is currently insufficient to determine the role of this variant in disease. Therefore, it has been classified as a Variant of Uncertain Significance. Algorithms developed to predict the effect of missense changes on protein structure and function output the following: SIFT: "Deleterious"; PolyPhen-2: "Benign"; Align-GVGD: "Class C0". The phenylalanine amino acid residue is found in multiple mammalian species, which suggests that this missense change does not adversely affect protein function. This variant has not been reported in the literature in individuals affected with ITGAM-related conditions. This variant is present in population databases (no rsID available, gnomAD 0.0009%). This sequence change replaces leucine, which is neutral and non-polar, with phenylalanine, which is neutral and non-polar, at codon 122 of the ITGAM protein (p.Leu122Phe).